The following is an entry in ClinVar:

ClinVar aggregate classification (germline): Uncertain significance (1 of 4 stars; one submission).

Submission:

Labcorp Genetics (formerly Invitae), Labcorp
Classification: Uncertain significance. Last evaluated: 2025-07-09. Review status: criteria provided, single submitter. Criteria: Invitae Variant Classification Sherloc (09022015). Collection method: clinical testing. Allele origin: germline.
Comment: This sequence change replaces arginine, which is basic and polar, with threonine, which is neutral and polar, at codon 1604 of the MYO7A protein (p.Arg1604Thr). This variant is not present in population databases (gnomAD no frequency). This variant has not been reported in the literature in individuals affected with MYO7A-related conditions. Invitae Evidence Modeling of protein sequence and biophysical properties (such as structural, functional, and spatial information, amino acid conservation, physicochemical variation, residue mobility, and thermodynamic stability) has been performed for this missense variant. However, the output from this modeling did not meet the statistical confidence thresholds required to predict the impact of this variant on MYO7A protein function. In summary, the available evidence is currently insufficient to determine the role of this variant in disease. Therefore, it has been classified as a Variant of Uncertain Significance.

NM_000260.4(MYO7A):c.4811G>C (p.Arg1604Thr)

Gene: MYO7A (myosin VIIA; plus strand). Cytogenetic location: 11q13.5.
Variant type: single nucleotide variant.
Coding change: c.4811G>C on transcript NM_000260.4 (MANE Select); coding-DNA position 4811, G replaced by C.
Protein change: p.Arg1604Thr; replaces arginine 1604 with threonine.
Molecular consequence: missense variant.
Genome position (GRCh38, 1-based): chr11:77,199,777, G>C. VCF-style: chr11-77199777-G-C. GRCh37 (hg19) VCF-style: chr11-76910822-G-C.
Other names: c.4697G>C, p.Arg1566Thr (NM_001127180.2); c.4664G>C, p.Arg1555Thr (NM_001369365.1); short protein forms R1555T, R1566T, R1604T.
Identifiers: ClinVar variation 4800485 (VCV004800485.1).
Genomic context (GRCh38, chr11:77,199,777, plus strand): 5'-CCAGCAATGCTGAGGACATTCGTGACCTGGTGGTCACCTTCCTAGAGGGGCTCCGGAAGA[G>C]ATCTAAGTATGTTGTGGCCCTGCAGGATAACCCCAACCCCGGTGAGTGGCTGCTGGTATG-3'
Protein context (NP_000251.3, residues 1594-1614): VVTFLEGLRK[Arg1604Thr]SKYVVALQDN